The following is an entry in ClinVar:

ClinVar aggregate classification (germline): Benign/Likely benign. Review status: criteria provided, multiple submitters, no conflicts (2 of 4 stars). 3 submissions from 3 submitters: Benign (1); Likely benign (1). 1 of the submissions does not count toward it. Last evaluated 2025-12-17.

Conditions:
HCFC1-related disorder. Also called: HCFC1-related condition.
Methylmalonic acidemia with homocystinuria, type cblX (MAHCX). Also called: INTELLECTUAL DEVELOPMENTAL DISORDER, X-LINKED 3. Identifiers: Orphanet 369962, MedGen C0796208, MONDO:0010657, OMIM 309541.

Allele frequency attached by ClinVar (database versions not stated): gnomAD exomes 0.00005 and 0.00011; ExAC 0.00010; ESP Exome Variant Server 0.00039; gnomAD 0.00046 and 0.00050; 1000 Genomes Project 0.00053; 1000 Genomes Project 30x 0.00062; TOPMed 0.00065.
gnomAD v4.1: 111 of 1,209,869 alleles (0.0092%); highest among the groups gnomAD compares: African/African-American, 0.17%; 1 homozygote.

Submissions (3):

Labcorp Genetics (formerly Invitae), Labcorp
Classification: Benign for Methylmalonic acidemia with homocystinuria, type cblX. Last evaluated: 2025-12-17. Review status: criteria provided, single submitter. Criteria: Invitae Variant Classification Sherloc (09022015). Collection method: clinical testing. Allele origin: germline.

Mayo Clinic Laboratories, Mayo Clinic
Classification: Likely benign. Last evaluated: 2025-08-25. Review status: criteria provided, single submitter. Criteria: ACMG Guidelines, 2015. Collection method: clinical testing. Allele origin: germline. Observed: 1 variant allele.
Comment: BS1, BP4, BP7

PreventionGenetics, part of Exact Sciences
Classification: Likely benign for HCFC1-related condition. Last evaluated: 2021-07-12. Review status: no assertion criteria provided. Collection method: clinical testing. Allele origin: germline. Not counted in ClinVar's aggregate classification.
Comment: This variant is classified as likely benign based on ACMG/AMP sequence variant interpretation guidelines (Richards et al. 2015 PMID: 25741868, with internal and published modifications).

NM_005334.3(HCFC1):c.5496A>G (p.Pro1832=)

Gene: HCFC1 (host cell factor C1; minus strand). Cytogenetic location: Xq28.
Variant type: single nucleotide variant.
Coding change: c.5496A>G on transcript NM_005334.3 (MANE Select); coding-DNA position 5496, A replaced by G.
Protein change: p.Pro1832=; no amino-acid change (proline 1832 retained).
Molecular consequence: synonymous variant.
Genome position (GRCh38, 1-based): chrX:153,951,371, T>C on the plus strand (A>G on the coding strand, the complement: HCFC1 is on the minus strand). VCF-style: chrX-153951371-T-C. GRCh37 (hg19) VCF-style: chrX-153216822-T-C.
Other names: p.Pro1832=; c.5496A>G (NM_005334.2).
Identifiers: ClinVar variation 1164700 (VCV001164700.12), dbSNP rs376756703, ClinGen allele CA10556769.